The following is an entry in ClinVar:

ClinVar aggregate classification (germline): Conflicting classifications of pathogenicity. Review status: criteria provided, conflicting classifications (1 of 4 stars). 12 submissions from 12 submitters: Uncertain significance (6); Benign (1); Likely benign (3). 2 of the submissions do not count toward it. Last evaluated 2026-02-11.

Conditions:
POLE-related disorder. Also called: POLE-related disorders; POLE-related condition.
Hereditary cancer-predisposing syndrome. Also called: Neoplastic Syndromes, Hereditary; Tumor predisposition; Hereditary Cancer Syndrome; Hereditary neoplastic syndrome. Identifiers: Orphanet 140162, MedGen C0027672, MeSH D009386, MONDO:0015356.
Colorectal cancer, susceptibility to, 12 (CRCS12). Also called: COLORECTAL CANCER, SUSCEPTIBILITY TO, ON CHROMOSOME 12q24. Identifiers: Orphanet 220460, MedGen C3554460, MONDO:0014038, OMIM 615083.
Facial dysmorphism-immunodeficiency-livedo-short stature syndrome. Also called: FILS syndrome; Facial dysmorphism, immunodeficiency, livedo, and short stature. Identifiers: Orphanet 352712, MedGen C3554576, MONDO:0014058, OMIM 615139.
Malignant tumor of breast. Also called: Malignant breast neoplasm; Cancer breast. Identifiers: MedGen C0006142, MONDO:0007254. Disease mechanism: loss of function.

Allele frequency attached by ClinVar (database versions not stated): ExAC 0.00020; gnomAD exomes 0.00024 and 0.00028; TOPMed 0.00024; ESP Exome Variant Server 0.00031.
gnomAD v4.1: 384 of 1,613,958 alleles (0.024%); highest among the groups gnomAD compares: Admixed American, 0.022%; 1 homozygote.

Submissions (12):

St. Jude Molecular Pathology, St. Jude Children's Research Hospital
Classification: Uncertain significance for Colorectal cancer, susceptibility to, 12. Last evaluated: 2026-02-11. Review status: criteria provided, single submitter. Criteria: St. Jude Assertion Criteria 2020. Collection method: clinical testing. Allele origin: germline.
Comment: The POLE c.2510T>C p.(Phe837Ser) missense change has a maximum founder subpopulation frequency of 0.45% and a maximum non-founder subpopulation frequency of 0.028% in gnomAD v2.1.1. The in silico tool REVEL predicts a benign effect on protein function, but to our knowledge this prediction has not been confirmed by functional studies. To our knowledge, this variant has not been reported in the literature in individuals with POLE-related disease. In summary, the evidence currently available is insufficient to determine the clinical significance of this variant. It has therefore been classified as of uncertain significance.

Labcorp Genetics (formerly Invitae), Labcorp
Classification: Benign. Last evaluated: 2026-02-03. Review status: criteria provided, single submitter. Criteria: Invitae Variant Classification Sherloc (09022015). Collection method: clinical testing. Allele origin: germline.

Center for Genomic Medicine, Rigshospitalet, Copenhagen University Hospital
Classification: Uncertain significance. Last evaluated: 2025-12-29. Review status: criteria provided, single submitter. Criteria: ACMG Guidelines, 2015. Collection method: clinical testing. Allele origin: germline.

Ambry Genetics
Classification: Uncertain significance for Hereditary cancer-predisposing syndrome. Last evaluated: 2024-12-04. Review status: criteria provided, single submitter. Criteria: Ambry Variant Classification Scheme 2023. Collection method: clinical testing. Allele origin: germline.
Comment: The p.F837S variant (also known as c.2510T>C), located in coding exon 22 of the POLE gene, results from a T to C substitution at nucleotide position 2510. The phenylalanine at codon 837 is replaced by serine, an amino acid with highly dissimilar properties. This amino acid position is well conserved in available vertebrate species. In addition, this alteration is predicted to be tolerated by in silico analysis. Based on the available evidence, the clinical significance of this variant remains unclear.

Blueprint Genetics
Classification: Likely benign. Last evaluated: 2024-09-03. Review status: criteria provided, single submitter. Criteria: ACMG Guidelines, 2015. Collection method: clinical testing. Allele origin: germline.

GeneDx
Classification: Likely benign. Last evaluated: 2021-06-25. Review status: criteria provided, single submitter. Criteria: GeneDx Variant Classification Process June 2021. Collection method: clinical testing. Allele origin: germline. Affected: yes.
Comment: In silico analysis, which includes protein predictors and evolutionary conservation, supports a deleterious effect; Observed in an individual with advanced cancer (Mandelker 2017); This variant is associated with the following publications: (PMID: 28873162, 29338072)

Sema4
Classification: Likely benign for Hereditary cancer-predisposing syndrome. Last evaluated: 2020-09-30. Review status: criteria provided, single submitter. Criteria: Sema4 Curation Guidelines. Collection method: curation. Allele origin: germline.

Genetic Services Laboratory, University of Chicago
Classification: Uncertain significance. Last evaluated: 2020-09-18. Review status: criteria provided, single submitter. Criteria: ACMG Guidelines, 2015. Collection method: clinical testing. Allele origin: germline. Affected: no.
Comment: DNA sequence analysis of the POLE gene demonstrated a sequence change, c.2510T>C, in exon 22 that results in an amino acid change, p.Phe837Ser. This sequence change does not appear to have been previously described in patients with POLE-related disorders and has been described in the gnomAD database with a frequency of 0.45% in the Ashkenazi Jewish sub-population (dbSNP rs139182500). The p.Phe837Ser change affects a moderately conserved amino acid residue located in a domain of the POLE protein that is known to be functional. In-silico pathogenicity prediction tools (SIFT, PolyPhen2, Align GVGD, REVEL) provide contradictory results for the p.Phe837Ser substitution. Due to these contrasting evidences and the lack of functional studies, the clinical significance of the p.Phe837Ser change remains unknown at this time.

Baylor Genetics
Classification: Uncertain significance for Facial dysmorphism-immunodeficiency-livedo-short stature syndrome. Last evaluated: 2018-06-08. Review status: criteria provided, single submitter. Criteria: ACMG Guidelines, 2015. Collection method: clinical testing. Allele origin: maternal. Affected: yes.
Comment: This variant was determined to be of uncertain significance according to ACMG Guidelines, 2015 [PMID:25741868].

Quest Diagnostics Nichols Institute San Juan Capistrano
Classification: Uncertain significance. Last evaluated: 2016-10-07. Review status: criteria provided, single submitter. Criteria: Quest Diagnostics criteria. Collection method: clinical testing. Allele origin: germline.

PreventionGenetics, part of Exact Sciences
Classification: Likely benign for POLE-related condition. Last evaluated: 2022-03-02. Review status: no assertion criteria provided. Collection method: clinical testing. Allele origin: germline. Not counted in ClinVar's aggregate classification.
Comment: This variant is classified as likely benign based on ACMG/AMP sequence variant interpretation guidelines (Richards et al. 2015 PMID: 25741868, with internal and published modifications).

Department of Pathology and Laboratory Medicine, Sinai Health System
Classification: Uncertain significance for Malignant tumor of breast. Review status: no assertion criteria provided. Collection method: clinical testing. Allele origin: unknown. Affected: yes. Study: The Canadian Open Genetics Repository (COGR). Not counted in ClinVar's aggregate classification.
Comment: The POLE p.Phe837Ser variant was identified in 1 of 2080 proband chromosomes (frequency: 0.0005) from an individual with an unspecified cancer (Mandelker 2017). The variant was identified in dbSNP (rs139182500) as â€šÃ„Ãºwith uncertain significance alleleâ€šÃ„Ã¹ and ClinVar (interpreted as "uncertain signficance" by Ambry Genetics and 2 others and "likely benign" by Invitae). The variant was identified in control databases in 72 of 277,116 chromosomes at a frequency of 0.0003 (Genome Aggregation Database Feb 27, 2017). The variant was observed in the following populations: Other in 3 of 6462 chromosomes (freq: 0.0005), Latino in 10 of 34,420 chromosomes (freq: 0.0003), European in 16 of 126,680 chromosomes (freq: 0.0001), Ashkenazi Jewish in 43 of 10,150 chromosomes (freq: 0.004); it was not observed in the African, East Asian, Finnish, and South Asian populations. The p.Phe837 residue is conserved in mammals and computational analyses (PolyPhen-2, SIFT, AlignGVGD, BLOSUM, MutationTaster) provide inconsistent predictions regarding the impact to the protein; this information is not very predictive of pathogenicity. The variant occurs outside of the splicing consensus sequence and in silico or computational prediction software programs (SpliceSiteFinder, MaxEntScan, NNSPLICE, GeneSplicer) do not predict a difference in splicing. In summary, based on the above information the clinical significance of this variant cannot be determined with certainty at this time. This variant is classified as a variant of uncertain significance.

NM_006231.4(POLE):c.2510T>C (p.Phe837Ser)

Gene: POLE (DNA polymerase epsilon, catalytic subunit; minus strand). Cytogenetic location: 12q24.33.
Variant type: single nucleotide variant.
Coding change: c.2510T>C on transcript NM_006231.4 (MANE Select); coding-DNA position 2510, T replaced by C.
Protein change: p.Phe837Ser; replaces phenylalanine 837 with serine.
Molecular consequence: missense variant.
Genome position (GRCh38, 1-based): chr12:132,664,421, A>G on the plus strand (T>C on the coding strand, the complement: POLE is on the minus strand). VCF-style: chr12-132664421-A-G. GRCh37 (hg19) VCF-style: chr12-133241007-A-G.
Other names: short protein forms F837S.
Identifiers: ClinVar variation 405863 (VCV000405863.33), dbSNP rs139182500, ClinGen allele CA6893523.
Genomic context (GRCh38, chr12:132,664,421, plus strand): 5'-TGCACTCACCCAATCTGCTCGATCAGCTCCCGTGCCTGGGTGATGATGTTGGCCCCTGTG[A>G]AGCAGACGATGCCAGCCATCTCCATGGAGTACCAGCGAGCCCTGAGAGGACACCACAAAC-3'
Protein context (NP_006222.2, residues 827-847): YSMEMAGIVC[Phe837Ser]TGANIITQAR